The following is an entry in ClinVar:

NM_000215.4(JAK3):c.985-15G>A

Gene: JAK3 (Janus kinase 3; minus strand). Cytogenetic location: 19p13.11.
Variant type: single nucleotide variant.
Coding change: c.985-15G>A on transcript NM_000215.4 (MANE Select); 15 bases into the intron before coding-DNA position 985, G replaced by A.
Molecular consequence: intron variant.
Genome position (GRCh38, 1-based): chr19:17,841,561, C>T on the plus strand (G>A on the coding strand, the complement: JAK3 is on the minus strand). VCF-style: chr19-17841561-C-T. GRCh37 (hg19) VCF-style: chr19-17952370-C-T.
Identifiers: ClinVar variation 513582 (VCV000513582.5), dbSNP rs200067874, ClinGen allele CA9302004.

ClinVar aggregate classification (germline): Likely benign. Review status: criteria provided, multiple submitters, no conflicts (2 of 4 stars). 3 submissions from 3 submitters: Likely benign (3). Last evaluated 2026-04-01.

Conditions:
T-B+ severe combined immunodeficiency due to JAK3 deficiency. Also called: SCID, T CELL-NEGATIVE, B CELL-POSITIVE, NK CELL-NEGATIVE; SCID, autosomal recessive, T-negative/B-positive type. Identifiers: Orphanet 35078, MedGen C1833275, MONDO:0010938, OMIM 600802.

Allele frequency attached by ClinVar (database versions not stated): gnomAD below 0.00001 and 0.00005; TOPMed 0.00001; gnomAD exomes 0.00015; ExAC 0.00031.

Submissions (3):

Women's Health and Genetics/Laboratory Corporation of America, LabCorp
Classification: Likely benign. Last evaluated: 2026-04-01. Review status: criteria provided, single submitter. Criteria: LabCorp Variant Classification Summary - May 2015. Collection method: clinical testing. Allele origin: germline.
Comment: Variant summary: JAK3 c.985-15G>A alters a nucleotide located at a position not widely known to affect splicing. Consensus agreement among computation tools predict no significant impact on normal splicing. However, these predictions have yet to be confirmed by functional studies. The variant allele was found at a frequency of 0.00015 in 221658 control chromosomes. This frequency is not significantly higher than estimated for disease-causing variants in JAK3, allowing no conclusion about variant significance. To our knowledge, no occurrence of c.985-15G>A in individuals affected with JAK3-related conditions and no experimental evidence demonstrating its impact on protein function have been reported. ClinVar contains an entry for this variant (Variation ID: 513582). Based on the evidence outlined above, the variant was classified as likely benign.

Labcorp Genetics (formerly Invitae), Labcorp
Classification: Likely benign for T-B+ severe combined immunodeficiency due to JAK3 deficiency. Last evaluated: 2025-12-26. Review status: criteria provided, single submitter. Criteria: Invitae Variant Classification Sherloc (09022015). Collection method: clinical testing. Allele origin: germline.

GeneDx
Classification: Likely benign. Last evaluated: 2017-11-17. Review status: criteria provided, single submitter. Criteria: GeneDx Variant Classification (06012015). Collection method: clinical testing. Allele origin: germline. Affected: yes.
Comment: This variant is considered likely benign or benign based on one or more of the following criteria: it is a conservative change, it occurs at a poorly conserved position in the protein, it is predicted to be benign by multiple in silico algorithms, and/or has population frequency not consistent with disease.